The following is an entry in ClinVar:

NM_020812.4(DOCK6):c.5635G>A (p.Asp1879Asn)

Gene: DOCK6 (dedicator of cytokinesis 6; minus strand). Cytogenetic location: 19p13.2.
Variant type: single nucleotide variant.
Coding change: c.5635G>A on transcript NM_020812.4 (MANE Select); coding-DNA position 5635, G replaced by A.
Protein change: p.Asp1879Asn; replaces aspartic acid 1879 with asparagine.
Molecular consequence: missense variant.
Genome position (GRCh38, 1-based): chr19:11,201,942, C>T on the plus strand (G>A on the coding strand, the complement: DOCK6 is on the minus strand). VCF-style: chr19-11201942-C-T. GRCh37 (hg19) VCF-style: chr19-11312618-C-T.
Other names: c.5740G>A, p.Asp1914Asn (NM_001367830.1); c.5635G>A (NM_020812.2); short protein forms D1879N, D1914N.
Identifiers: ClinVar variation 1373571 (VCV001373571.7), dbSNP rs771745764, ClinGen allele CA9206402.

ClinVar aggregate classification (germline): Uncertain significance. Review status: criteria provided, multiple submitters, no conflicts (2 of 4 stars). 2 submissions from 2 submitters: Uncertain significance (2). Last evaluated 2025-08-26.

Conditions:
Inborn genetic diseases. Identifiers: MedGen C0950123, MeSH D030342.

Allele frequency attached by ClinVar (database versions not stated): gnomAD 0.00002; gnomAD exomes 0.00002; TOPMed 0.00002; ExAC 0.00004.
gnomAD v4.1: 29 of 1,608,742 alleles (0.0018%); highest among the groups gnomAD compares: South Asian, 0.018%; no homozygotes.

Submissions (2):

Ambry Genetics
Classification: Uncertain significance for Inborn genetic diseases. Last evaluated: 2025-08-26. Review status: criteria provided, single submitter. Criteria: Ambry Variant Classification Scheme 2023. Collection method: clinical testing. Allele origin: germline.

Labcorp Genetics (formerly Invitae), Labcorp
Classification: Uncertain significance. Last evaluated: 2023-08-04. Review status: criteria provided, single submitter. Criteria: Invitae Variant Classification Sherloc (09022015). Collection method: clinical testing. Allele origin: germline.
Comment: This sequence change replaces aspartic acid, which is acidic and polar, with asparagine, which is neutral and polar, at codon 1879 of the DOCK6 protein (p.Asp1879Asn). This variant is present in population databases (rs771745764, gnomAD 0.01%). This variant has not been reported in the literature in individuals affected with DOCK6-related conditions. ClinVar contains an entry for this variant (Variation ID: 1373571). Advanced modeling of protein sequence and biophysical properties (such as structural, functional, and spatial information, amino acid conservation, physicochemical variation, residue mobility, and thermodynamic stability) performed at Invitae indicates that this missense variant is not expected to disrupt DOCK6 protein function. In summary, the available evidence is currently insufficient to determine the role of this variant in disease. Therefore, it has been classified as a Variant of Uncertain Significance.